The following is an entry in ClinVar:

NM_001164665.2(KIAA1549):c.4213G>A (p.Val1405Ile)

Gene: KIAA1549 (KIAA1549; minus strand). Cytogenetic location: 7q34.
Variant type: single nucleotide variant.
Coding change: c.4213G>A on transcript NM_001164665.2 (MANE Select); coding-DNA position 4213, G replaced by A.
Protein change: p.Val1405Ile; replaces valine 1405 with isoleucine.
Molecular consequence: missense variant.
Genome position (GRCh38, 1-based): chr7:138,881,404, C>T on the plus strand (G>A on the coding strand, the complement: KIAA1549 is on the minus strand). VCF-style: chr7-138881404-C-T. GRCh37 (hg19) VCF-style: chr7-138566150-C-T.
Other names: c.4213G>A, p.Val1405Ile (NM_020910.3); short protein forms V1405I.
Identifiers: ClinVar variation 853058 (VCV000853058.8), dbSNP rs765766724, ClinGen allele CA4505978.

ClinVar aggregate classification (germline): Uncertain significance (1 of 4 stars; one submission).

Allele frequency attached by ClinVar (database versions not stated): ExAC 0.00001; gnomAD exomes 0.00001 and 0.00003; TOPMed 0.00003; gnomAD 0.00006 and 0.00007.
gnomAD v4.1: 52 of 1,613,284 alleles (0.0032%); highest among the groups gnomAD compares: Non-Finnish European, 0.004%; no homozygotes.

Submission:

Labcorp Genetics (formerly Invitae), Labcorp
Classification: Uncertain significance. Last evaluated: 2024-10-07. Review status: criteria provided, single submitter. Criteria: Invitae Variant Classification Sherloc (09022015). Collection method: clinical testing. Allele origin: germline.
Comment: This sequence change replaces valine, which is neutral and non-polar, with isoleucine, which is neutral and non-polar, at codon 1405 of the KIAA1549 protein (p.Val1405Ile). This variant is present in population databases (rs765766724, gnomAD 0.004%). This variant has not been reported in the literature in individuals affected with KIAA1549-related conditions. ClinVar contains an entry for this variant (Variation ID: 853058). An algorithm developed to predict the effect of missense changes on protein structure and function outputs the following: PolyPhen-2: "Benign". The isoleucine amino acid residue is found in multiple mammalian species, which suggests that this missense change does not adversely affect protein function. In summary, the available evidence is currently insufficient to determine the role of this variant in disease. Therefore, it has been classified as a Variant of Uncertain Significance.